The following is an entry in ClinVar:

ClinVar aggregate classification (germline): Uncertain significance (1 of 4 stars; one submission).

Submission:

Labcorp Genetics (formerly Invitae), Labcorp
Classification: Uncertain significance. Last evaluated: 2025-07-08. Review status: criteria provided, single submitter. Criteria: Invitae Variant Classification Sherloc (09022015). Collection method: clinical testing. Allele origin: germline.
Comment: This sequence change replaces aspartic acid, which is acidic and polar, with asparagine, which is neutral and polar, at codon 580 of the MMP14 protein (p.Asp580Asn). This variant is not present in population databases (gnomAD no frequency). This variant has not been reported in the literature in individuals affected with MMP14-related conditions. An algorithm developed to predict the effect of missense changes on protein structure and function (PolyPhen-2) suggests that this variant is likely to be disruptive. Algorithms developed to predict the effect of sequence changes on RNA splicing suggest that this variant may create or strengthen a splice site. In summary, the available evidence is currently insufficient to determine the role of this variant in disease. Therefore, it has been classified as a Variant of Uncertain Significance.

NM_004995.4(MMP14):c.1738G>A (p.Asp580Asn)

Gene: MMP14 (matrix metallopeptidase 14; plus strand). Cytogenetic location: 14q11.2.
Variant type: single nucleotide variant.
Coding change: c.1738G>A on transcript NM_004995.4 (MANE Select); coding-DNA position 1738, G replaced by A.
Protein change: p.Asp580Asn; replaces aspartic acid 580 with asparagine.
Molecular consequence: missense variant.
Genome position (GRCh38, 1-based): chr14:22,846,028, G>A. VCF-style: chr14-22846028-G-A. GRCh37 (hg19) VCF-style: chr14-23315237-G-A.
Other names: short protein forms D580N.
Identifiers: ClinVar variation 4693468 (VCV004693468.1).